The following is an entry in ClinVar:

ClinVar aggregate classification (germline): Conflicting classifications of pathogenicity. Review status: criteria provided, conflicting classifications (1 of 4 stars). 2 submissions from 2 submitters: Uncertain significance (1); Benign (1). Last evaluated 2026-01-01.

Conditions:
Familial hypobetalipoproteinemia 1. Also called: APOB-Related Familial Hypobetalipoproteinemia; Hypobetalipoproteinemia, normotriglyceridemic; Acanthocytosis with hypobetalipoproteinemia. Identifiers: MedGen C4551990, MONDO:0014252, OMIM 615558.
Hypercholesterolemia, autosomal dominant, type B (FHCL2). Also called: Hyperlipoproteinemia Type IIb; Familial hypercholesterolemia 2; Familial Hypercholesterolemia Type B; APOLIPOPROTEIN B-100, FAMILIAL DEFECTIVE; APOLIPOPROTEIN B-100, FAMILIAL LIGAND-DEFECTIVE; HYPERCHOLESTEROLEMIA, FAMILIAL, DUE TO LIGAND-DEFECTIVE APOLIPOPROTEIN B. Identifiers: MedGen C1704417, MONDO:0007751, OMIM 144010.
Cardiovascular phenotype. Identifiers: MedGen CN230736.

Allele frequency attached by ClinVar (database versions not stated): TOPMed 0.00002; gnomAD exomes 0.00004; ExAC 0.00011.
gnomAD v4.1: 25 of 1,613,914 alleles (0.0015%); highest among the groups gnomAD compares: Admixed American, 0.04%; no homozygotes.

Submissions (2):

Labcorp Genetics (formerly Invitae), Labcorp
Classification: Benign for Familial hypobetalipoproteinemia 1; Hypercholesterolemia, autosomal dominant, type B. Last evaluated: 2026-01-01. Review status: criteria provided, single submitter. Criteria: Invitae Variant Classification Sherloc (09022015). Collection method: clinical testing. Allele origin: germline.

Ambry Genetics
Classification: Uncertain significance for Cardiovascular phenotype. Last evaluated: 2020-12-08. Review status: criteria provided, single submitter. Criteria: Ambry Variant Classification Scheme 2023. Collection method: clinical testing. Allele origin: germline.
Comment: The p.G2927A variant (also known as c.8780G>C), located in coding exon 26 of the APOB gene, results from a G to C substitution at nucleotide position 8780. The glycine at codon 2927 is replaced by alanine, an amino acid with similar properties. This amino acid position is well conserved in available vertebrate species; however, alanine is the reference amino acid in other vertebrate species. In addition, this alteration is predicted to be tolerated by in silico analysis. Since supporting evidence is limited at this time, the clinical significance of this alteration remains unclear.

NM_000384.3(APOB):c.8780G>C (p.Gly2927Ala)

Gene: APOB (apolipoprotein B; minus strand). Cytogenetic location: 2p24.1.
Variant type: single nucleotide variant.
Coding change: c.8780G>C on transcript NM_000384.3 (MANE Select); coding-DNA position 8780, G replaced by C.
Protein change: p.Gly2927Ala; replaces glycine 2927 with alanine.
Molecular consequence: missense variant.
Genome position (GRCh38, 1-based): chr2:21,008,088, C>G on the plus strand (G>C on the coding strand, the complement: APOB is on the minus strand). VCF-style: chr2-21008088-C-G. GRCh37 (hg19) VCF-style: chr2-21230960-C-G.
Other names: short protein forms G2927A.
Identifiers: ClinVar variation 1764643 (VCV001764643.7), dbSNP rs1238287235, ClinGen allele CA1546532.